The following is an entry in ClinVar:

ClinVar aggregate classification (germline): Uncertain significance (1 of 4 stars; one submission).

Submission:

Labcorp Genetics (formerly Invitae), Labcorp
Classification: Uncertain significance. Last evaluated: 2025-02-20. Review status: criteria provided, single submitter. Criteria: Invitae Variant Classification Sherloc (09022015). Collection method: clinical testing. Allele origin: germline.
Comment: This sequence change replaces threonine, which is neutral and polar, with serine, which is neutral and polar, at codon 458 of the ALPK1 protein (p.Thr458Ser). This variant is not present in population databases (gnomAD no frequency). This variant has not been reported in the literature in individuals affected with ALPK1-related conditions. Invitae Evidence Modeling of protein sequence and biophysical properties (such as structural, functional, and spatial information, amino acid conservation, physicochemical variation, residue mobility, and thermodynamic stability) indicates that this missense variant is not expected to disrupt ALPK1 protein function with a negative predictive value of 80%. In summary, the available evidence is currently insufficient to determine the role of this variant in disease. Therefore, it has been classified as a Variant of Uncertain Significance.

NM_025144.4(ALPK1):c.1373C>G (p.Thr458Ser)

Gene: ALPK1 (alpha kinase 1; plus strand). Cytogenetic location: 4q25.
Variant type: single nucleotide variant.
Coding change: c.1373C>G on transcript NM_025144.4 (MANE Select); coding-DNA position 1373, C replaced by G.
Protein change: p.Thr458Ser; replaces threonine 458 with serine.
Molecular consequence: missense variant.
Genome position (GRCh38, 1-based): chr4:112,430,920, C>G. VCF-style: chr4-112430920-C-G. GRCh37 (hg19) VCF-style: chr4-113352076-C-G.
Other names: c.1373C>G, p.Thr458Ser (NM_001102406.2); c.1139C>G, p.Thr380Ser (NM_001253884.2); short protein forms T380S, T458S.
Identifiers: ClinVar variation 4778589 (VCV004778589.1).